The following is an entry in ClinVar:

NM_000395.3(CSF2RB):c.322G>A (p.Val108Ile)

Genes: CSF2RB (colony stimulating factor 2 receptor subunit beta; plus strand), LOC126863140 (BRD4-independent group 4 enhancer GRCh37_chr22:37321546-37322745; plus strand). Cytogenetic location: 22q12.3.
Variant type: single nucleotide variant.
Coding change: c.322G>A on transcript NM_000395.3 (MANE Select); coding-DNA position 322, G replaced by A.
Protein change: p.Val108Ile; replaces valine 108 with isoleucine.
Molecular consequence: missense variant.
Genome position (GRCh38, 1-based): chr22:36,926,108, G>A. VCF-style: chr22-36926108-G-A. GRCh37 (hg19) VCF-style: chr22-37322150-G-A.
Other names: short protein forms V108I.
Identifiers: ClinVar variation 1435767 (VCV001435767.8), dbSNP rs1941010730, ClinGen allele CA411403790.

ClinVar aggregate classification (germline): Uncertain significance (1 of 4 stars; one submission).

Allele frequency attached by ClinVar (database versions not stated): TOPMed below 0.00001.
gnomAD v4.1: 3 of 1,614,206 alleles (0.00019%); highest among the groups gnomAD compares: African/African-American, 0.0013%; no homozygotes.

Submission:

Labcorp Genetics (formerly Invitae), Labcorp
Classification: Uncertain significance. Last evaluated: 2023-07-12. Review status: criteria provided, single submitter. Criteria: Invitae Variant Classification Sherloc (09022015). Collection method: clinical testing. Allele origin: germline.
Comment: In summary, the available evidence is currently insufficient to determine the role of this variant in disease. Therefore, it has been classified as a Variant of Uncertain Significance. Advanced modeling of protein sequence and biophysical properties (such as structural, functional, and spatial information, amino acid conservation, physicochemical variation, residue mobility, and thermodynamic stability) performed at Invitae indicates that this missense variant is not expected to disrupt CSF2RB protein function. ClinVar contains an entry for this variant (Variation ID: 1435767). This variant has not been reported in the literature in individuals affected with CSF2RB-related conditions. This variant is not present in population databases (gnomAD no frequency). This sequence change replaces valine, which is neutral and non-polar, with isoleucine, which is neutral and non-polar, at codon 108 of the CSF2RB protein (p.Val108Ile).